The following is an entry in ClinVar:

NM_007254.4(PNKP):c.744+1G>C

Gene: PNKP (polynucleotide kinase 3'-phosphatase; minus strand). Cytogenetic location: 19q13.33.
Variant type: single nucleotide variant.
Coding change: c.744+1G>C on transcript NM_007254.4 (MANE Select); the canonical splice donor site of the intron after coding-DNA position 744, G replaced by C.
Molecular consequence: splice donor variant.
Genome position (GRCh38, 1-based): chr19:49,863,963, C>G on the plus strand (G>C on the coding strand, the complement: PNKP is on the minus strand). VCF-style: chr19-49863963-C-G. GRCh37 (hg19) VCF-style: chr19-50367220-C-G.
Identifiers: ClinVar variation 2778578 (VCV002778578.3), dbSNP rs1233430749, ClinGen allele CA406884658.

ClinVar aggregate classification (germline): Likely pathogenic (1 of 4 stars; one submission).

Conditions:
Developmental and epileptic encephalopathy, 12 (DEE12). Identifiers: MedGen C3150988, MONDO:0013389, OMIM 613722.

Submission:

Labcorp Genetics (formerly Invitae), Labcorp
Classification: Likely pathogenic for Developmental and epileptic encephalopathy, 12. Last evaluated: 2023-09-22. Review status: criteria provided, single submitter. Criteria: Invitae Variant Classification Sherloc (09022015). Collection method: clinical testing. Allele origin: germline.
Comment: This sequence change affects a donor splice site in intron 7 of the PNKP gene. It is expected to disrupt RNA splicing. Variants that disrupt the donor or acceptor splice site typically lead to a loss of protein function (PMID: 16199547), and loss-of-function variants in PNKP are known to be pathogenic (PMID: 20118933, 25728773). This variant is not present in population databases (gnomAD no frequency). This variant has not been reported in the literature in individuals affected with PNKP-related conditions. Algorithms developed to predict the effect of sequence changes on RNA splicing suggest that this variant may disrupt the consensus splice site. In summary, the currently available evidence indicates that the variant is pathogenic, but additional data are needed to prove that conclusively. Therefore, this variant has been classified as Likely Pathogenic.

Literature cited by the submitters: PubMed 16199547; PubMed 20118933; PubMed 25728773.